The following is an entry in ClinVar:

ClinVar aggregate classification (germline): Uncertain significance. Review status: criteria provided, multiple submitters, no conflicts (2 of 4 stars). 2 submissions from 2 submitters: Uncertain significance (2). Last evaluated 2023-09-07.

Allele frequency attached by ClinVar (database versions not stated): TOPMed below 0.00001; gnomAD 0.00001; gnomAD exomes 0.00002 and 0.00003; ExAC 0.00003.
gnomAD v4.1: 34 of 1,613,788 alleles (0.0021%); highest among the groups gnomAD compares: Non-Finnish European, 0.0025%; no homozygotes.

Submissions (2):

Blueprint Genetics
Classification: Uncertain significance. Last evaluated: 2023-09-07. Review status: criteria provided, single submitter. Criteria: ACMG Guidelines, 2015. Collection method: clinical testing. Allele origin: germline.

Labcorp Genetics (formerly Invitae), Labcorp
Classification: Uncertain significance. Last evaluated: 2022-01-05. Review status: criteria provided, single submitter. Criteria: Invitae Variant Classification Sherloc (09022015). Collection method: clinical testing. Allele origin: germline.
Comment: This sequence change replaces arginine, which is basic and polar, with histidine, which is basic and polar, at codon 1659 of the MYO7A protein (p.Arg1659His). This variant is present in population databases (rs748007093, gnomAD 0.005%). This variant has not been reported in the literature in individuals affected with MYO7A-related conditions. Advanced modeling of protein sequence and biophysical properties (such as structural, functional, and spatial information, amino acid conservation, physicochemical variation, residue mobility, and thermodynamic stability) performed at Invitae indicates that this missense variant is not expected to disrupt MYO7A protein function. In summary, the available evidence is currently insufficient to determine the role of this variant in disease. Therefore, it has been classified as a Variant of Uncertain Significance.

NM_000260.4(MYO7A):c.4976G>A (p.Arg1659His)

Gene: MYO7A (myosin VIIA; plus strand). Cytogenetic location: 11q13.5.
Variant type: single nucleotide variant.
Coding change: c.4976G>A on transcript NM_000260.4 (MANE Select); coding-DNA position 4976, G replaced by A.
Protein change: p.Arg1659His; replaces arginine 1659 with histidine.
Molecular consequence: missense variant.
Genome position (GRCh38, 1-based): chr11:77,201,571, G>A. VCF-style: chr11-77201571-G-A. GRCh37 (hg19) VCF-style: chr11-76912616-G-A.
Other names: c.4862G>A, p.Arg1621His (NM_001127180.2); c.4829G>A, p.Arg1610His (NM_001369365.1); short protein forms R1659H, R1610H, R1621H.
Identifiers: ClinVar variation 1422049 (VCV001422049.6), dbSNP rs748007093, ClinGen allele CA6198582.
Genomic context (GRCh38, chr11:77,201,571, plus strand): 5'-CGGGCGAGCAGGTCATGAACTCGGGCTGGGCCAACGGCATCAATGAGAGGACCAAGCAGC[G>A]TGGGGACTTCCCCACCGACAGTGTGTACGTCATGCCCACTGTCACCATGCCACCGCGGGA-3'
Protein context (NP_000251.3, residues 1649-1669): ANGINERTKQ[Arg1659His]GDFPTDSVYV